The following is an entry in ClinVar:

NM_213599.3(ANO5):c.2044T>C (p.Phe682Leu)

Gene: ANO5 (anoctamin 5; plus strand). Cytogenetic location: 11p14.3.
Variant type: single nucleotide variant.
Coding change: c.2044T>C on transcript NM_213599.3 (MANE Select); coding-DNA position 2044, T replaced by C.
Protein change: p.Phe682Leu; replaces phenylalanine 682 with leucine.
Molecular consequence: missense variant.
Genome position (GRCh38, 1-based): chr11:22,272,798, T>C. VCF-style: chr11-22272798-T-C. GRCh37 (hg19) VCF-style: chr11-22294344-T-C.
Other names: c.2041T>C, p.Phe681Leu (NM_001142649.2); c.2002T>C, p.Phe668Leu (NM_001410963.1); c.1999T>C, p.Phe667Leu (NM_001410964.1); c.1966T>C, p.Phe656Leu (NM_001441294.1); c.1963T>C, p.Phe655Leu (NM_001441295.1); c.1951T>C, p.Phe651Leu (NM_001441296.1); c.1924T>C, p.Phe642Leu (NM_001441297.1); c.1888T>C, p.Phe630Leu (NM_001441298.1); and 4 more; short protein forms F642L, F655L, F667L, F682L, F520L, F536L, F629L, F668L.
Identifiers: ClinVar variation 4791170 (VCV004791170.1).

ClinVar aggregate classification (germline): Uncertain significance (1 of 4 stars; one submission).

Conditions:
Gnathodiaphyseal dysplasia (GDD). Also called: GNATHODIAPHYSEAL SCLEROSIS; OSTEOGENESIS IMPERFECTA WITH UNUSUAL SKELETAL LESIONS. Identifiers: Orphanet 53697, MedGen C1833736, MONDO:0008151, OMIM 166260.
Autosomal recessive limb-girdle muscular dystrophy type 2L (LGMDR12). Also called: Limb-girdle muscular dystrophy, type 2L; MUSCULAR DYSTROPHY, LIMB-GIRDLE, AUTOSOMAL RECESSIVE 12; Limb-Girdle Muscular Dystrophy R12 Anoctamin-5-Related (LGMD-R12). Identifiers: Orphanet 206549, MedGen C1969785, MONDO:0012652, OMIM 611307.

gnomAD v4.1: 1 of 1,613,970 alleles (0.000062%); highest among the groups gnomAD compares: Non-Finnish European, 0.000085%; no homozygotes.

Submission:

Labcorp Genetics (formerly Invitae), Labcorp
Classification: Uncertain significance for Autosomal recessive limb-girdle muscular dystrophy type 2L; Gnathodiaphyseal dysplasia. Last evaluated: 2025-05-19. Review status: criteria provided, single submitter. Criteria: Invitae Variant Classification Sherloc (09022015). Collection method: clinical testing. Allele origin: germline.
Comment: This sequence change replaces phenylalanine, which is neutral and non-polar, with leucine, which is neutral and non-polar, at codon 682 of the ANO5 protein (p.Phe682Leu). This variant is not present in population databases (gnomAD no frequency). This variant has not been reported in the literature in individuals affected with ANO5-related conditions. Invitae Evidence Modeling of protein sequence and biophysical properties (such as structural, functional, and spatial information, amino acid conservation, physicochemical variation, residue mobility, and thermodynamic stability) indicates that this missense variant is expected to disrupt ANO5 protein function with a positive predictive value of 95%. In summary, the available evidence is currently insufficient to determine the role of this variant in disease. Therefore, it has been classified as a Variant of Uncertain Significance.